The following is an entry in ClinVar:

NM_004525.3(LRP2):c.388G>A (p.Val130Ile)

Gene: LRP2 (LDL receptor related protein 2; minus strand). Cytogenetic location: 2q31.1.
Variant type: single nucleotide variant.
Coding change: c.388G>A on transcript NM_004525.3 (MANE Select); coding-DNA position 388, G replaced by A.
Protein change: p.Val130Ile; replaces valine 130 with isoleucine.
Molecular consequence: missense variant.
Genome position (GRCh38, 1-based): chr2:169,307,320, C>T on the plus strand (G>A on the coding strand, the complement: LRP2 is on the minus strand). VCF-style: chr2-169307320-C-T. GRCh37 (hg19) VCF-style: chr2-170163830-C-T.
Other names: short protein forms V130I.
Identifiers: ClinVar variation 2183058 (VCV002183058.2), dbSNP rs903313119, ClinGen allele CA59955756.
Genomic context (GRCh38, chr2:169,307,320, plus strand): 5'-CAAGGACTAAAACAGACTCACGGCAGTCATTCTCATCAGCTCCATCGGGGCAGTCTCTGA[C>T]GTGGTCGCACCTGTATTCACTTGGGATACACTGACCATTGGAGCATGTTATCTGATGACT-3'
Protein context (NP_004516.2, residues 120-140): CIPSEYRCDH[Val130Ile]RDCPDGADEN

ClinVar aggregate classification (germline): Uncertain significance. Review status: criteria provided, multiple submitters, no conflicts (2 of 4 stars). 2 submissions from 2 submitters: Uncertain significance (2). Last evaluated 2024-03-26.

Conditions:
Donnai-Barrow syndrome. Also called: DBS/FOAR SYNDROME; FACIOOCULOACOUSTICORENAL SYNDROME. Identifiers: Orphanet 2143, MedGen C1857277, MONDO:0009104, OMIM 222448.

Allele frequency attached by ClinVar (database versions not stated): gnomAD exomes 0.00001; TOPMed 0.00002.
gnomAD v4.1: 8 of 1,613,996 alleles (0.0005%); highest among the groups gnomAD compares: Admixed American, 0.0033%; no homozygotes.

Submissions (2):

Fulgent Genetics
Classification: Uncertain significance for Donnai-Barrow syndrome. Last evaluated: 2024-03-26. Review status: criteria provided, single submitter. Criteria: ACMG Guidelines, 2015. Collection method: clinical testing. Allele origin: germline.

Labcorp Genetics (formerly Invitae), Labcorp
Classification: Uncertain significance. Last evaluated: 2022-10-13. Review status: criteria provided, single submitter. Criteria: Invitae Variant Classification Sherloc (09022015). Collection method: clinical testing. Allele origin: germline.
Comment: This sequence change replaces valine, which is neutral and non-polar, with isoleucine, which is neutral and non-polar, at codon 130 of the LRP2 protein (p.Val130Ile). This variant is present in population databases (no rsID available, gnomAD 0.006%). This variant has not been reported in the literature in individuals affected with LRP2-related conditions. Advanced modeling of protein sequence and biophysical properties (such as structural, functional, and spatial information, amino acid conservation, physicochemical variation, residue mobility, and thermodynamic stability) performed at Invitae indicates that this missense variant is not expected to disrupt LRP2 protein function. In summary, the available evidence is currently insufficient to determine the role of this variant in disease. Therefore, it has been classified as a Variant of Uncertain Significance.